The following is an entry in ClinVar:

ClinVar aggregate classification (germline): Uncertain significance (1 of 4 stars; one submission).

Conditions:
Hereditary cancer-predisposing syndrome. Also called: Hereditary Cancer Syndrome; Hereditary neoplastic syndrome; Neoplastic Syndromes, Hereditary; Tumor predisposition. Identifiers: Orphanet 140162, MedGen C0027672, MeSH D009386, MONDO:0015356.

Submission:

Ambry Genetics
Classification: Uncertain significance for Hereditary cancer-predisposing syndrome. Last evaluated: 2021-08-21. Review status: criteria provided, single submitter. Criteria: Ambry Variant Classification Scheme 2023. Collection method: clinical testing. Allele origin: germline.
Comment: The p.Q345R variant (also known as c.1034A>G), located in coding exon 11 of the POLE gene, results from an A to G substitution at nucleotide position 1034. The glutamine at codon 345 is replaced by arginine, an amino acid with highly similar properties. This amino acid position is conserved. In addition, this alteration is predicted to be tolerated by in silico analysis. Since supporting evidence is limited at this time, the clinical significance of this alteration remains unclear.

NM_006231.4(POLE):c.1034A>G (p.Gln345Arg)

Gene: POLE (DNA polymerase epsilon, catalytic subunit; minus strand). Cytogenetic location: 12q24.33.
Variant type: single nucleotide variant.
Coding change: c.1034A>G on transcript NM_006231.4 (MANE Select); coding-DNA position 1034, A replaced by G.
Protein change: p.Gln345Arg; replaces glutamine 345 with arginine.
Molecular consequence: missense variant.
Genome position (GRCh38, 1-based): chr12:132,675,807, T>C on the plus strand (A>G on the coding strand, the complement: POLE is on the minus strand). VCF-style: chr12-132675807-T-C. GRCh37 (hg19) VCF-style: chr12-133252393-T-C.
Other names: short protein forms Q345R.
Identifiers: ClinVar variation 1772021 (VCV001772021.2), dbSNP rs2542163212, ClinGen allele CA387361824.
Genomic context (GRCh38, chr12:132,675,807, plus strand): 5'-TCCCCGTTGTAGGTGACCATGATGGTGGGTTTGGTCTCCTGGACGTGTTCAAACCACCTT[T>C]GGATCAGATGAGCCTGAACCCAAGTCACAGCAGTCAGAGGTCTGCTCTTTCTCTTCTTCA-3'
Protein context (NP_006222.2, residues 335-355): FNEPDEAHLI[Gln345Arg]RWFEHVQETK